The following is an entry in ClinVar:

NM_003998.4(NFKB1):c.2855T>C (p.Leu952Pro)

Gene: NFKB1 (nuclear factor kappa B subunit 1; plus strand). Cytogenetic location: 4q24.
Variant type: single nucleotide variant.
Coding change: c.2855T>C on transcript NM_003998.4 (MANE Select); coding-DNA position 2855, T replaced by C.
Protein change: p.Leu952Pro; replaces leucine 952 with proline.
Molecular consequence: missense variant.
Genome position (GRCh38, 1-based): chr4:102,616,539, T>C. VCF-style: chr4-102616539-T-C. GRCh37 (hg19) VCF-style: chr4-103537696-T-C.
Other names: c.2852T>C, p.Leu951Pro (NM_001165412.2, NM_001319226.2, NM_001382627.1); c.2855T>C, p.Leu952Pro (NM_001382625.1, NM_001382626.1); c.2813T>C, p.Leu938Pro (NM_001382628.1); short protein forms L952P, L951P, L938P.
Identifiers: ClinVar variation 4777015 (VCV004777015.1).
Genomic context (GRCh38, chr4:102,616,539, plus strand): 5'-CATCCTTCCGCAAACTCAGCTTTACCGAGTCTCTGACCAGTGGTGCCTCACTGCTAACTC[T>C]CAACAAAATGCCCCATGATTATGGGCAGGAAGGACCTCTAGAAGGCAAAATTTAGCCTGC-3'
Protein context (NP_003989.2, residues 942-962): SLTSGASLLT[Leu952Pro]NKMPHDYGQE

ClinVar aggregate classification (germline): Uncertain significance (1 of 4 stars; one submission).

gnomAD v4.1: 4 of 1,613,804 alleles (0.00025%); highest among the groups gnomAD compares: East Asian, 0.0022%; no homozygotes.

Submission:

Labcorp Genetics (formerly Invitae), Labcorp
Classification: Uncertain significance. Last evaluated: 2025-04-20. Review status: criteria provided, single submitter. Criteria: Invitae Variant Classification Sherloc (09022015). Collection method: clinical testing. Allele origin: germline.
Comment: This sequence change replaces leucine, which is neutral and non-polar, with proline, which is neutral and non-polar, at codon 952 of the NFKB1 protein (p.Leu952Pro). This variant is present in population databases (rs777154135, gnomAD 0.005%). This variant has not been reported in the literature in individuals affected with NFKB1-related conditions. An algorithm developed to predict the effect of missense changes on protein structure and function (PolyPhen-2) suggests that this variant is likely to be disruptive. In summary, the available evidence is currently insufficient to determine the role of this variant in disease. Therefore, it has been classified as a Variant of Uncertain Significance.